The following is an entry in ClinVar:

NM_001042424.3(NSD2):c.341C>G (p.Thr114Ser)

Gene: NSD2 (nuclear receptor binding SET domain protein 2; plus strand). Cytogenetic location: 4p16.3.
Variant type: single nucleotide variant.
Coding change: c.341C>G on transcript NM_001042424.3 (MANE Select); coding-DNA position 341, C replaced by G.
Protein change: p.Thr114Ser; replaces threonine 114 with serine.
Molecular consequence: missense variant.
Genome position (GRCh38, 1-based): chr4:1,900,995, C>G. VCF-style: chr4-1900995-C-G. GRCh37 (hg19) VCF-style: chr4-1902722-C-G.
Other names: c.341C>G, p.Thr114Ser (NM_007331.2, NM_133330.3, NM_133331.3 and 2 more transcripts); short protein forms T114S.
Identifiers: ClinVar variation 1680152 (VCV001680152.33), dbSNP rs200319561, ClinGen allele CA2811865.
Genomic context (GRCh38, chr4:1,900,995, plus strand): 5'-ACGATGCCAAACTGCGTTTTGAGTCCCAGGAAATGAAAGGGATTGGGACACCCCCTAACA[C>G]TACCCCTATCAAAAATGGCTCTCCAGAAATTAAGCTGAAAATCACCAAAACATACATGAA-3'
Protein context (NP_001035889.1, residues 104-124): EMKGIGTPPN[Thr114Ser]TPIKNGSPEI

ClinVar aggregate classification (germline): Likely benign. Review status: criteria provided, multiple submitters, no conflicts (2 of 4 stars). 3 submissions from 3 submitters: Likely benign (3). Last evaluated 2025-05-12.

Allele frequency attached by ClinVar (database versions not stated): ExAC 0.00007; ESP Exome Variant Server 0.00008; gnomAD exomes 0.00008 and 0.00011; gnomAD 0.00010; TOPMed 0.00015.
gnomAD v4.1: 168 of 1,614,096 alleles (0.01%); highest among the groups gnomAD compares: Non-Finnish European, 0.014%; no homozygotes.

Submissions (3):

Labcorp Genetics (formerly Invitae), Labcorp
Classification: Likely benign. Last evaluated: 2025-05-12. Review status: criteria provided, single submitter. Criteria: Invitae Variant Classification Sherloc (09022015). Collection method: clinical testing. Allele origin: germline.

Laboratory of Genetics, Children's Clinical University Hospital Latvia
Classification: Likely benign. Last evaluated: 2025-02-16. Review status: criteria provided, single submitter. Criteria: ACMG Guidelines, 2015. Collection method: clinical testing. Allele origin: germline. Affected: yes.

CeGaT Center for Human Genetics Tuebingen
Classification: Likely benign. Last evaluated: 2023-06-01. Review status: criteria provided, single submitter. Criteria: CeGaT Center For Human Genetics Tuebingen Variant Classification Criteria Version 2. Collection method: clinical testing. Allele origin: germline. Affected: yes. Observed: 1 variant allele.
Comment: NSD2: BS1